The following is an entry in ClinVar:

ClinVar aggregate classification (germline): Pathogenic. Review status: criteria provided, multiple submitters, no conflicts (2 of 4 stars). 3 submissions from 2 submitters: Pathogenic (3). Last evaluated 2023-04-07.

Conditions:
Autosomal recessive Alport syndrome (ATS2). Also called: COL4A3-Related Nephropathy; Alport syndrome type 2; COL4A4 Alport Syndrome and Thin Basement Membrane Nephropathy; ALPORT SYNDROME 2, AUTOSOMAL RECESSIVE. Identifiers: Orphanet 63, Orphanet 88919, MedGen C4746745, MONDO:0008762, OMIM 203780.
Chronic kidney disease. Identifiers: MedGen C1561643, MONDO:0005300, HP:0012622.

Allele frequency attached by ClinVar (database versions not stated): gnomAD exomes below 0.00001.

Submissions (3):

Labcorp Genetics (formerly Invitae), Labcorp
Classification: Pathogenic. Last evaluated: 2023-04-07. Review status: criteria provided, single submitter. Criteria: Invitae Variant Classification Sherloc (09022015). Collection method: clinical testing. Allele origin: germline.
Comment: This sequence change creates a premature translational stop signal (p.Gln1535Glufs*21) in the COL4A4 gene. It is expected to result in an absent or disrupted protein product. Loss-of-function variants in COL4A4 are known to be pathogenic (PMID: 21196518, 24854265, 25307543). For these reasons, this variant has been classified as Pathogenic. ClinVar contains an entry for this variant (Variation ID: 915852). This premature translational stop signal has been observed in individual(s) with clinical features of Alport syndrome (PMID: 32723786). This variant is not present in population databases (gnomAD no frequency).

Cavalleri Lab, Royal College of Surgeons in Ireland
Classification: Pathogenic for Chronic kidney disease. Last evaluated: 2020-05-28. Review status: criteria provided, single submitter. Criteria: ACMG Guidelines, 2015. Collection method: research. Allele origin: unknown. Inheritance: Autosomal dominant inheritance. Affected: yes.
Comment: PVS1, PM2, PP3

Cavalleri Lab, Royal College of Surgeons in Ireland
Classification: Pathogenic for Autosomal recessive Alport syndrome. Last evaluated: 2020-05-27. Review status: criteria provided, single submitter. Criteria: ACMG Guidelines, 2015. Collection method: research. Allele origin: unknown. Inheritance: Autosomal dominant inheritance. Affected: yes. Observed: 1 heterozygote.

Literature cited by the submitters: PubMed 21196518 (cited by Labcorp Genetics (formerly Invitae), Labcorp); PubMed 24854265 (cited by Labcorp Genetics (formerly Invitae), Labcorp); PubMed 25307543 (cited by Labcorp Genetics (formerly Invitae), Labcorp); PubMed 32723786 (cited by Labcorp Genetics (formerly Invitae), Labcorp).

NM_000092.5(COL4A4):c.4603_4604del (p.Gln1535fs)

Gene: COL4A4 (collagen type IV alpha 4 chain; minus strand). Cytogenetic location: 2q36.3.
Variant type: Deletion.
Coding change: c.4603_4604del on transcript NM_000092.5 (MANE Select); coding-DNA positions 4603 to 4604, 2 bases deleted (CA; older notation c.4603_4604delCA).
Protein change: p.Gln1535fs; shifts the reading frame from glutamine 1535.
Molecular consequence: frameshift variant.
Genome position (GRCh38, 1-based): chr2:227,008,223-227,008,224, TG deleted on the plus strand (CA on the coding strand, the reverse complement: COL4A4 is on the minus strand). VCF-style (leftmost placement, unchanged base first): chr2-227008222-CTG-C. GRCh37 (hg19) VCF-style: chr2-227872938-CTG-C.
Other names: short protein forms Q1535fs.
Identifiers: ClinVar variation 915852 (VCV000915852.8), dbSNP rs1962628992, ClinGen allele CA1139657738.